The following is an entry in ClinVar:

ClinVar aggregate classification (germline): Uncertain significance. Review status: criteria provided, multiple submitters, no conflicts (2 of 4 stars). 2 submissions from 2 submitters: Uncertain significance (2). Last evaluated 2022-03-23.

Allele frequency attached by ClinVar (database versions not stated): gnomAD 0.00001; TOPMed 0.00001; ExAC 0.00002.
gnomAD v4.1: 12 of 1,614,104 alleles (0.00074%); highest among the groups gnomAD compares: Admixed American, 0.0033%; no homozygotes.

Submissions (2):

GeneDx
Classification: Uncertain significance. Last evaluated: 2022-03-23. Review status: criteria provided, single submitter. Criteria: GeneDx Variant Classification Process June 2021. Collection method: clinical testing. Allele origin: germline. Affected: yes.
Comment: In silico analysis supports that this missense variant does not alter protein structure/function; Has not been previously published as pathogenic or benign to our knowledge

Labcorp Genetics (formerly Invitae), Labcorp
Classification: Uncertain significance. Last evaluated: 2021-12-11. Review status: criteria provided, single submitter. Criteria: Invitae Variant Classification Sherloc (09022015). Collection method: clinical testing. Allele origin: germline.
Comment: This sequence change replaces arginine, which is basic and polar, with glutamine, which is neutral and polar, at codon 2243 of the LRP2 protein (p.Arg2243Gln). This variant is present in population databases (rs775126007, gnomAD 0.006%). This variant has not been reported in the literature in individuals affected with LRP2-related conditions. Advanced modeling of protein sequence and biophysical properties (such as structural, functional, and spatial information, amino acid conservation, physicochemical variation, residue mobility, and thermodynamic stability) performed at Invitae indicates that this missense variant is not expected to disrupt LRP2 protein function. In summary, the available evidence is currently insufficient to determine the role of this variant in disease. Therefore, it has been classified as a Variant of Uncertain Significance.

NM_004525.3(LRP2):c.6728G>A (p.Arg2243Gln)

Gene: LRP2 (LDL receptor related protein 2; minus strand). Cytogenetic location: 2q31.1.
Variant type: single nucleotide variant.
Coding change: c.6728G>A on transcript NM_004525.3 (MANE Select); coding-DNA position 6728, G replaced by A.
Protein change: p.Arg2243Gln; replaces arginine 2243 with glutamine.
Molecular consequence: missense variant.
Genome position (GRCh38, 1-based): chr2:169,206,992, C>T on the plus strand (G>A on the coding strand, the complement: LRP2 is on the minus strand). VCF-style: chr2-169206992-C-T. GRCh37 (hg19) VCF-style: chr2-170063502-C-T.
Other names: short protein forms R2243Q.
Identifiers: ClinVar variation 1707016 (VCV001707016.3), dbSNP rs775126007, ClinGen allele CA1954230.
Genomic context (GRCh38, chr2:169,206,992, plus strand): 5'-ATACGAATCCTTGCAATTATATCTAAAGAATCATCAACCCAATAAACGTAGCCATCACTT[C>T]GGTCCACTGCCAAGCCCCGTGGTGTGACAATGCCCTCTGACACAAGCACTGTTCGATTGG-3'
Protein context (NP_004516.2, residues 2233-2253): IVTPRGLAVD[Arg2243Gln]SDGYVYWVDD